The following is an entry in ClinVar:

ClinVar aggregate classification (germline): Benign (1 of 4 stars; one submission).

Conditions:
Polycystic liver disease 2 (PCLD2). Also called: Polycystic liver disease 2 with or without kidney cysts. Identifiers: Orphanet 2924, MedGen C4310769, MONDO:0014860, OMIM 617004.

Allele frequency attached by ClinVar (database versions not stated): 1000 Genomes Project 0.00719; gnomAD 0.00729 and 0.00681; 1000 Genomes Project 30x 0.00640; TOPMed 0.00759.

Submission:

Illumina Laboratory Services, Illumina
Classification: Benign for Polycystic liver disease 2. Last evaluated: 2018-01-12. Review status: criteria provided, single submitter. Criteria: ICSL Variant Classification Criteria 13 December 2019. Collection method: clinical testing. Allele origin: germline.
Comment: This variant was observed in the ICSL laboratory as part of a predisposition screen in an ostensibly healthy population. It had not been previously curated by ICSL or reported in the Human Gene Mutation Database (HGMD: prior to June 1st, 2018), and was therefore a candidate for classification through an automated scoring system. Utilizing variant allele frequency, disease prevalence and penetrance estimates, and inheritance mode, an automated score was calculated to assess if this variant is too frequent to cause the disease. Based on the score and internal cut-off values, a variant classified as benign is not then subjected to further curation. The score for this variant resulted in a classification of benign for this disease.

NM_007214.5(SEC63):c.*2376A>T

Gene: SEC63 (SEC63 homolog, protein translocation regulator; minus strand). Cytogenetic location: 6q21.
Variant type: single nucleotide variant.
Coding change: c.*2376A>T on transcript NM_007214.5 (MANE Select); 2376 bases downstream of the stop codon, A replaced by T.
Molecular consequence: 3 prime UTR variant.
Genome position (GRCh38, 1-based): chr6:107,869,328, T>A on the plus strand (A>T on the coding strand, the complement: SEC63 is on the minus strand). VCF-style: chr6-107869328-T-A. GRCh37 (hg19) VCF-style: chr6-108190532-T-A.
Identifiers: ClinVar variation 354849 (VCV000354849.5), dbSNP rs78776458, ClinGen allele CA10625488.